The following is an entry in ClinVar:

ClinVar aggregate classification (germline): Likely benign. Review status: reviewed by expert panel (3 of 4 stars). 4 submissions from 4 submitters: Likely benign (1). 3 of the submissions do not count toward it. Last evaluated 2017-06-29.

Conditions:
Hereditary breast ovarian cancer syndrome. Also called: Hereditary breast and ovarian cancer; Hereditary breast and ovarian cancer syndrome; Breast and ovarian cancer; Hereditary breast and ovarian cancer syndrome (HBOC); Hereditary breast and/or ovarian cancer syndrome; BRCA1- and BRCA2-Associated Hereditary Breast and Ovarian Cancer. Identifiers: Orphanet 145, MedGen C0677776, MeSH D061325, MONDO:0003582. Disease mechanism: loss of function.
Hereditary cancer-predisposing syndrome. Also called: Hereditary Cancer Syndrome; Neoplastic Syndromes, Hereditary; Tumor predisposition; Hereditary neoplastic syndrome. Identifiers: Orphanet 140162, MedGen C0027672, MeSH D009386, MONDO:0015356.
Breast-ovarian cancer, familial, susceptibility to, 2 (BROVCA2). Also called: BRCA2 Hereditary Breast and Ovarian Cancer. Identifiers: Orphanet 145, MedGen C2675520, MONDO:0012933, OMIM 612555. Disease mechanism: loss of function.

Allele frequency attached by ClinVar (database versions not stated): gnomAD exomes below 0.00001.

Submissions (4):

Evidence-based Network for the Interpretation of Germline Mutant Alleles (ENIGMA)
Classification: Likely benign for Breast-ovarian cancer, familial, susceptibility to, 2. Last evaluated: 2017-06-29. Review status: reviewed by expert panel. Criteria: ENIGMA BRCA1/2 Classification Criteria (2017-06-29). Collection method: curation. Allele origin: germline.
Comment: Synonymous substitution variant, with low bioinformatic likelihood to result in a splicing aberration (Splicing prior probability 0.02).

Labcorp Genetics (formerly Invitae), Labcorp
Classification: Likely benign for Hereditary breast ovarian cancer syndrome. Last evaluated: 2026-01-13. Review status: criteria provided, single submitter. Criteria: Invitae Variant Classification Sherloc (09022015). Collection method: clinical testing. Allele origin: germline. Not counted in ClinVar's aggregate classification.

Color Diagnostics, LLC DBA Color Health
Classification: Likely benign for Hereditary cancer-predisposing syndrome. Last evaluated: 2023-06-14. Review status: criteria provided, single submitter. Criteria: ACMG Guidelines, 2015. Collection method: clinical testing. Allele origin: germline. Not counted in ClinVar's aggregate classification.

Ambry Genetics
Classification: Likely benign for Hereditary cancer-predisposing syndrome. Last evaluated: 2014-10-28. Review status: criteria provided, single submitter. Criteria: Ambry Variant Classification Scheme 2023. Collection method: clinical testing. Allele origin: germline. Not counted in ClinVar's aggregate classification.

NM_000059.4(BRCA2):c.339A>G (p.Arg113=)

Gene: BRCA2 (BRCA2 DNA repair associated; plus strand). Cytogenetic location: 13q13.1.
Variant type: single nucleotide variant.
Coding change: c.339A>G on transcript NM_000059.4 (MANE Select); coding-DNA position 339, A replaced by G.
Protein change: p.Arg113=; no amino-acid change (arginine 113 retained).
Molecular consequence: synonymous variant.
Genome position (GRCh38, 1-based): chr13:32,325,098, A>G. VCF-style: chr13-32325098-A-G. GRCh37 (hg19) VCF-style: chr13-32899235-A-G.
Identifiers: ClinVar variation 186582 (VCV000186582.17), dbSNP rs786203060, ClinGen allele CA017935.